The following is an entry in ClinVar:

ClinVar aggregate classification (germline): Pathogenic/Likely pathogenic. Review status: criteria provided, multiple submitters, no conflicts (2 of 4 stars). 6 submissions from 6 submitters: Pathogenic (1); Likely pathogenic (5). Last evaluated 2026-03-12.

Conditions:
Xeroderma pigmentosum (XP). Identifiers: Orphanet 910, MedGen C0043346, MONDO:0019600.
Xeroderma pigmentosum, group C (XPC). Also called: XPC-Related Xeroderma Pigmentosum; Xeroderma pigmentosum, complementation group C; XERODERMA PIGMENTOSUM III; XP, GROUP C. Identifiers: Orphanet 910, MedGen C2752147, MONDO:0010211, OMIM 278720.

Allele frequency attached by ClinVar (database versions not stated): gnomAD exomes below 0.00001 and 0.00002; ExAC 0.00001; gnomAD 0.00002; TOPMed 0.00003.
gnomAD v4.1: 29 of 1,612,542 alleles (0.0018%); highest among the groups gnomAD compares: Non-Finnish European, 0.0024%; no homozygotes.

Submissions (7):

GeneDx
Classification: Pathogenic. Last evaluated: 2026-03-12. Review status: criteria provided, single submitter. Criteria: GeneDx Variant Classification Process June 2021. Collection method: clinical testing. Allele origin: germline.
Comment: Canonical splice site variant predicted to result in a null allele in a gene for which loss of function is a known mechanism of disease; Not observed at significant frequency in large population cohorts (gnomAD); This variant is associated with the following publications: (PMID: 36451132, 29625052)

Labcorp Genetics (formerly Invitae), Labcorp
Classification: Likely pathogenic. Last evaluated: 2025-01-06. Review status: criteria provided, single submitter. Criteria: Invitae Variant Classification Sherloc (09022015). Collection method: clinical testing. Allele origin: germline.
Comment: This sequence change affects a donor splice site in intron 10 of the XPC gene. It is expected to disrupt RNA splicing. Variants that disrupt the donor or acceptor splice site typically lead to a loss of protein function (PMID: 16199547), and loss-of-function variants in XPC are known to be pathogenic (PMID: 23173980, 25256075). This variant is present in population databases (rs764480429, gnomAD 0.007%). Disruption of this splice site has been observed in individual(s) with xeroderma pigmentosum (PMID: 9804340). ClinVar contains an entry for this variant (Variation ID: 558179). Algorithms developed to predict the effect of sequence changes on RNA splicing suggest that this variant may disrupt the consensus splice site. In summary, the currently available evidence indicates that the variant is pathogenic, but additional data are needed to prove that conclusively. Therefore, this variant has been classified as Likely Pathogenic.

Baylor Genetics
Classification: Likely pathogenic for Xeroderma pigmentosum, group C. Last evaluated: 2024-03-07. Review status: criteria provided, single submitter. Criteria: ACMG Guidelines, 2015. Collection method: clinical testing. Allele origin: unknown.

Revvity Omics, Revvity
Classification: Likely pathogenic for Xeroderma pigmentosum, group C. Last evaluated: 2023-09-11. Review status: criteria provided, single submitter. Criteria: ACMG Guidelines, 2015. Collection method: clinical testing. Allele origin: germline.

Women's Health and Genetics/Laboratory Corporation of America, LabCorp
Classification: Likely pathogenic for Xeroderma pigmentosum. Last evaluated: 2023-05-17. Review status: criteria provided, single submitter. Criteria: LabCorp Variant Classification Summary - May 2015. Collection method: clinical testing. Allele origin: germline.
Comment: Variant summary: XPC c.2033+1G>A is located in a canonical splice-site and is predicted to affect mRNA splicing resulting in a significantly altered protein due to either exon skipping, shortening, or inclusion of intronic material. Several computational tools predict a significant impact on normal splicing: Four predict the variant abolishes the canonical 5' splicing donor site. However, these predictions have yet to be confirmed by functional studies. The variant allele was found at a frequency of 4e-06 in 248156 control chromosomes (gnomAD). c.2033+1G>A has not been reported in the literature in individuals affected with Xeroderma Pigmentosum and no experimental evidence demonstrating an impact on protein function has been reported. c.2033+2T>G has been reported in an individual affected with Xeroderma pigmentosum (PMID 9804340). Two clinical diagnostic laboratories have submitted clinical-significance assessments for this variant to ClinVar after 2014 and classified the variant as likely pathogenic. Based on the evidence outlined above, the variant was classified as likely pathogenic.

Myriad Genetics, Inc.
Classification: Likely pathogenic for Xeroderma pigmentosum, group C. Last evaluated: 2021-11-08. Review status: criteria provided, single submitter. Criteria: Myriad Women's Health Autosomal Recessive and X-Linked Classification Criteria (2021). Collection method: clinical testing. Allele origin: unknown.
Comment: NM_004628.4(XPC):c.2033+1G>A is a canonical splice variant classified as likely pathogenic in the context of xeroderma pigmentosum group C. c.2033+1G>A has not been observed in cases with relevant disease. Functional assessments of this variant are not available in the literature. c.2033+1G>A has been observed in population frequency databases (gnomAD: NFE 0.002%). In summary, NM_004628.4(XPC):c.2033+1G>A is a canonical splice variant in a gene where loss of function is a known mechanism of disease and is predicted to disrupt protein function. Please note: this variant was assessed in the context of healthy population screening.

Dr. Peter K. Rogan Lab, Western University
No classification provided (evidence only). Condition: Sarcoma. Review status: no classification provided. Collection method: in vitro. Allele origin: not applicable. Functional consequence: retained intron. Not counted in ClinVar's aggregate classification.

Literature cited by the submitters: PubMed 16199547 (cited by Labcorp Genetics (formerly Invitae), Labcorp); PubMed 23173980 (cited by Labcorp Genetics (formerly Invitae), Labcorp); PubMed 25256075 (cited by Labcorp Genetics (formerly Invitae), Labcorp); PubMed 9804340 (cited by Labcorp Genetics (formerly Invitae), Labcorp).

NM_004628.5(XPC):c.2033+1G>A

Gene: XPC (XPC complex subunit, DNA damage recognition and repair factor; minus strand). Cytogenetic location: 3p25.1.
Variant type: single nucleotide variant.
Coding change: c.2033+1G>A on transcript NM_004628.5 (MANE Select); the canonical splice donor site of the intron after coding-DNA position 2033, G replaced by A.
Molecular consequence: splice donor variant. On other transcripts: intron variant (1).
Genome position (GRCh38, 1-based): chr3:14,156,334, C>T on the plus strand (G>A on the coding strand, the complement: XPC is on the minus strand). VCF-style: chr3-14156334-C-T. GRCh37 (hg19) VCF-style: chr3-14197834-C-T.
Other names: c.2015+1G>A (NM_001354729.2); c.1454+1G>A (NM_001354726.2); c.1787+1G>A (NM_001354730.2); c.1872+1677G>A (NM_001354727.2).
Identifiers: ClinVar variation 558179 (VCV000558179.20), dbSNP rs764480429, ClinGen allele CA2267302.